The following is an entry in ClinVar:

NM_000053.4(ATP7B):c.3818C>T (p.Pro1273Leu)

Gene: ATP7B (ATPase copper transporting beta; minus strand). Cytogenetic location: 13q14.3.
Variant type: single nucleotide variant.
Coding change: c.3818C>T on transcript NM_000053.4 (MANE Select); coding-DNA position 3818, C replaced by T.
Protein change: p.Pro1273Leu; replaces proline 1273 with leucine.
Molecular consequence: missense variant.
Genome position (GRCh38, 1-based): chr13:51,937,561, G>A on the plus strand (C>T on the coding strand, the complement: ATP7B is on the minus strand). VCF-style: chr13-51937561-G-A. GRCh37 (hg19) VCF-style: chr13-52511697-G-A.
Other names: c.3197C>T, p.Pro1066Leu (NM_001005918.3); c.3485C>T, p.Pro1162Leu (NM_001243182.2); c.3584C>T, p.Pro1195Leu (NM_001330578.2); c.3566C>T, p.Pro1189Leu (NM_001330579.2); short protein forms P1273L, P1189L, P1195L, P1066L, P1162L.
Identifiers: ClinVar variation 189139 (VCV000189139.70), dbSNP rs758355520, ClinGen allele CA274408.

ClinVar aggregate classification (germline): Pathogenic/Likely pathogenic. Review status: criteria provided, multiple submitters, no conflicts (2 of 4 stars). 17 submissions from 17 submitters: Pathogenic (15); Likely pathogenic (1). 1 of the submissions does not count toward it. Last evaluated 2026-02-07.

Conditions:
ATP7B-related disorder. Also called: ATP7B-related condition.
Wilson disease (WND). Also called: Wilson's disease. Identifiers: Orphanet 905, MedGen C0019202, MONDO:0010200, OMIM 277900. Disease mechanism: loss of function.

Allele frequency attached by ClinVar (database versions not stated): gnomAD exomes 0.00001 and 0.00002; ExAC 0.00003; gnomAD 0.00003; TOPMed 0.00007.
gnomAD v4.1: 21 of 1,614,082 alleles (0.0013%); highest among the groups gnomAD compares: African/African-American, 0.0093%; no homozygotes.

Submissions 1 to 13 of 17:

GeneDx
Classification: Pathogenic. Last evaluated: 2026-02-07. Review status: criteria provided, single submitter. Criteria: GeneDx Variant Classification Process June 2021. Collection method: clinical testing. Allele origin: germline.
Comment: Published functional studies found this variant is associated with significantly impaired copper transport (PMID: 22240481); Not observed at significant frequency in large population cohorts (gnomAD); In silico analysis supports that this missense variant has a deleterious effect on protein structure/function; This variant is associated with the following publications: (PMID: 36096368, 36966606, 34470610, 31589614, 24253677, 22692182, 32231684, 11874474, 29930488, 16283883, 23551039, 23518715, 18483695, 18034201, 17587212, 8931691, 40661833, 17272994, 21682854, 35220961, 21610751, 20485189, 22240481, 15024742, 27022412, 39267050, 37737146)

Labcorp Genetics (formerly Invitae), Labcorp
Classification: Pathogenic for Wilson disease. Last evaluated: 2026-01-05. Review status: criteria provided, single submitter. Criteria: Invitae Variant Classification Sherloc (09022015). Collection method: clinical testing. Allele origin: germline.
Comment: This sequence change replaces proline, which is neutral and non-polar, with leucine, which is neutral and non-polar, at codon 1273 of the ATP7B protein (p.Pro1273Leu). This variant is present in population databases (rs758355520, gnomAD 0.01%). This missense change has been observed in individual(s) with Wilson disease (PMID: 15024742, 17272994, 20485189, 23551039). It has also been observed to segregate with disease in related individuals. ClinVar contains an entry for this variant (Variation ID: 189139). Invitae Evidence Modeling of protein sequence and biophysical properties (such as structural, functional, and spatial information, amino acid conservation, physicochemical variation, residue mobility, and thermodynamic stability) indicates that this missense variant is expected to disrupt ATP7B protein function with a positive predictive value of 80%. Experimental studies have shown that this missense change affects ATP7B function (PMID: 22240481, 22692182). For these reasons, this variant has been classified as Pathogenic.

CeGaT Center for Human Genetics Tuebingen
Classification: Pathogenic. Last evaluated: 2025-11-01. Review status: criteria provided, single submitter. Criteria: CeGaT Center For Human Genetics Tuebingen Variant Classification Criteria Version 2. Collection method: clinical testing. Allele origin: germline. Affected: yes. Observed: 2 variant alleles.
Comment: ATP7B: PM3:Strong, PM1, PM2, PM5, PS3:Supporting

PreventionGenetics, part of Exact Sciences
Classification: Pathogenic for ATP7B-related condition. Last evaluated: 2025-08-06. Review status: criteria provided, single submitter. Criteria: ACMG Guidelines, 2015. Collection method: clinical testing. Allele origin: germline.
Comment: The ATP7B c.3818C>T variant is predicted to result in the amino acid substitution p.Pro1273Leu. This variant has been reported in the compound heterozygous and homozygous state in numerous individuals with Wilson disease (Loudianos et al. 1996. PubMed ID: 8931691; Deguti et al. 2004. PubMed ID: 15024742; Gromadzka et al. 2005. PubMed ID: 16283883; Folhoffer et al. 2007. PubMed ID: 17272994; Abdelghaffar et al. 2008. PubMed ID: 18483695; Barada et al. 2010. PubMed ID: 20485189; Abdel Ghaffar et al. 2011. PubMed ID: 21682854; Aggarwal et al. 2013. PubMed ID: 23551039; Coffey et al. 2013. PubMed ID: 23518715). Functional studies have shown that this variant affects ATP7B function and has low copper transport activity (Huster et al. 2012. PubMed ID: 22240481; Schushan et al. 2012. PubMed ID: 22692182). This variant is reported in 0.012% of alleles in individuals of African descent in gnomAD. This variant is interpreted as pathogenic.

Natera, Inc.
Classification: Pathogenic for Wilson disease. Last evaluated: 2025-01-06. Review status: criteria provided, single submitter. Criteria: Natera Variant Classification Schema (03/2026). Collection method: clinical testing. Allele origin: germline.
Comment: The c.3818C>T variant in ATP7B is a missense variant predicted to cause substitution of proline to leucine at amino acid 1273. This variant is rare in the general population with a frequency below the threshold expected for the associated phenotype(s). This variant has been observed in one or more individuals affected with the associated recessive disease, as either homozygous or compound heterozygous with a second variant (PMID: 21610751). Given the available evidence, this variant is classified as Pathogenic.

All of Us Research Program, National Institutes of Health
Classification: Pathogenic for Wilson disease. Last evaluated: 2024-08-30. Review status: criteria provided, single submitter. Criteria: ACMG Guidelines, 2015. Collection method: clinical testing. Allele origin: germline. Inheritance: Autosomal recessive inheritance. Observed: 6 variant alleles, 6 heterozygotes.
Comment: This missense variant replaces proline with leucine at codon 1273 of the ATP7B protein. Computational prediction suggests that this variant may have deleterious impact on protein structure and function (internally defined REVEL score threshold >= 0.7, PMID: 27666373). This variant is located in the hinge motif GDGXNDXP (PMID: 11874474). A study conducted in an e. coli model showed this variant resulted in similar protein expression levels, slightly reduced ATPase activity, and normal phosphorylation compared to wild type (PMID: 11874474). A functional study conducted in insect cell lines showed this variant caused a disruption in copper uptake, partial loss of copper transport, and increased phosphorylation (PMID: 22240481). This variant has been reported in individuals affected with Wilson disease (PMID: 8931691, 15024742, 15967699, 16283883, 17154398, 17272994, 17587212, 18034201, 18483695, 21610751, 21682854, 22484412, 23235335, 23518715, 23551039, 23885147, 23982005, 27022412, 29085216, 29637721, 29930488, 30230192, 32618023, 33640437, 34773664). In a number of these individuals, this variant was reported in the homozygous state or the compound heterozygous state (PMID: 17272994, 23982005, 29085216, 30230192, 32618023, 34773664). This variant has been identified in 7/280940 chromosomes in the general population by the Genome Aggregation Database (gnomAD). Based on the available evidence, this variant is classified as Pathogenic.

This study involves interpretation of variants in research participants for the purpose of population health screening. Participant phenotype was not available at the time of variant classification. Additional details can be found in publication PMID: 35346344, PMCID: PMC8962531

Lildballe Lab, Aarhus University Hospital
Classification: Pathogenic for Wilson disease. Last evaluated: 2024-08-29. Review status: criteria provided, single submitter. Criteria: ACMG Guidelines, 2015. Collection method: clinical testing. Allele origin: germline. Affected: yes.
Comment: PP5, PM1,PP3, PM5, PM2

Fulgent Genetics
Classification: Pathogenic for Wilson disease. Last evaluated: 2024-05-03. Review status: criteria provided, single submitter. Criteria: ACMG Guidelines, 2015. Collection method: clinical testing. Allele origin: germline.

Baylor Genetics
Classification: Pathogenic for Wilson disease. Last evaluated: 2024-02-14. Review status: criteria provided, single submitter. Criteria: ACMG Guidelines, 2015. Collection method: clinical testing. Allele origin: unknown.

Mayo Clinic Laboratories, Mayo Clinic
Classification: Pathogenic. Last evaluated: 2024-01-22. Review status: criteria provided, single submitter. Criteria: ACMG Guidelines, 2015. Collection method: clinical testing. Allele origin: germline.
Comment: PP3, PP4, PM2_moderate, PM5, PS3, PS4_moderate

Color Diagnostics, LLC DBA Color Health
Classification: Pathogenic for Wilson disease. Last evaluated: 2023-10-23. Review status: criteria provided, single submitter. Criteria: ACMG Guidelines, 2015. Collection method: clinical testing. Allele origin: germline.
Comment: This missense variant replaces proline with leucine at codon 1273 of the ATP7B protein. Computational prediction suggests that this variant may have deleterious impact on protein structure and function. This variant alters a conserved proline residue in the phosphorylation (P) domain of the ATP7B protein (a.a. 1004 - 1031, 1197 - 1312), a highly conserved region that is considered to be important for ATP7B protein function (PMID: 35245129ClinVar). A functional study conducted in insect cell lines showed this variant caused a disruption in copper uptake, partial loss of copper transport, and increased phosphorylation (PMID: 22240481). This variant has been reported in individuals affected with Wilson disease (PMID: 8931691, 15024742, 15967699, 16283883, 17154398, 17272994, 17587212, 18034201, 18483695, 21610751, 21682854, 22484412, 23235335, 23518715, 23551039, 23885147, 23982005, 27022412, 29085216, 29637721, 29930488, 30230192, 32618023, 33640437, 34773664). In a number of these individuals, this variant was reported in the homozygous state or the compound heterozygous state (PMID: 17272994, 23982005, 29085216, 30230192, 32618023, 34773664). This variant has been identified in 7/280940 chromosomes in the general population by the Genome Aggregation Database (gnomAD). Based on the available evidence, this variant is classified as Pathogenic.

Revvity Omics, Revvity
Classification: Likely pathogenic for Wilson disease. Last evaluated: 2023-06-12. Review status: criteria provided, single submitter. Criteria: ACMG Guidelines, 2015. Collection method: clinical testing. Allele origin: germline.

Genome-Nilou Lab
Classification: Pathogenic for Wilson disease. Last evaluated: 2021-08-10. Review status: criteria provided, single submitter. Criteria: ACMG Guidelines, 2015. Collection method: clinical testing. Allele origin: germline. Affected: no.